The following is an entry in ClinVar:

ClinVar aggregate classification (germline): Benign. Review status: criteria provided, multiple submitters, no conflicts (2 of 4 stars). 3 submissions from 3 submitters: Benign (2). 1 of the submissions does not count toward it. Last evaluated 2025-10-28.

Conditions:
Epileptic encephalopathy. Identifiers: MedGen C0543888, HP:0200134.
FASN-related disorder. Also called: FASN-related condition.

Allele frequency attached by ClinVar (database versions not stated): ExAC 0.00066; 1000 Genomes Project 0.00120; 1000 Genomes Project 30x 0.00125; gnomAD 0.00016 and 0.00023; gnomAD exomes 0.00018 and 0.00062; TOPMed 0.00049.
gnomAD v4.1: 295 of 1,605,828 alleles (0.018%); highest among the groups gnomAD compares: East Asian, 0.55%; 1 homozygote.

Submissions (3):

Labcorp Genetics (formerly Invitae), Labcorp
Classification: Benign for Epileptic encephalopathy. Last evaluated: 2025-10-28. Review status: criteria provided, single submitter. Criteria: Invitae Variant Classification Sherloc (09022015). Collection method: clinical testing. Allele origin: germline.

Breakthrough Genomics
Classification: Benign. Review status: criteria provided, single submitter. Criteria: ACMG Guidelines, 2015. Collection method: not provided. Allele origin: germline. Inheritance: Unknown mechanism. Affected: yes.

PreventionGenetics, part of Exact Sciences
Classification: Benign for FASN-related condition. Last evaluated: 2020-03-09. Review status: no assertion criteria provided. Collection method: clinical testing. Allele origin: germline. Not counted in ClinVar's aggregate classification.
Comment: This variant is classified as benign based on ACMG/AMP sequence variant interpretation guidelines (Richards et al. 2015 PMID: 25741868, with internal and published modifications).

NM_004104.5(FASN):c.7192G>T (p.Ala2398Ser)

Genes: FASN (fatty acid synthase; minus strand), LOC129390948 (MPRA-validated peak3028 silencer; plus strand). Cytogenetic location: 17q25.3.
Variant type: single nucleotide variant.
Coding change: c.7192G>T on transcript NM_004104.5 (MANE Select); coding-DNA position 7192, G replaced by T.
Protein change: p.Ala2398Ser; replaces alanine 2398 with serine.
Molecular consequence: missense variant.
Genome position (GRCh38, 1-based): chr17:82,079,563, C>A on the plus strand (G>T on the coding strand, the complement: FASN is on the minus strand). VCF-style: chr17-82079563-C-A. GRCh37 (hg19) VCF-style: chr17-80037439-C-A.
Other names: short protein forms A2398S.
Identifiers: ClinVar variation 531092 (VCV000531092.15), dbSNP rs200842352, ClinGen allele CA8851070.
Genomic context (GRCh38, chr17:82,079,563, plus strand): 5'-AGCTCAGCTCCTGGCGGTCCAGGCCCTGGTGGCTCTTGATGATCAGGTCCACGGCGGCTG[C>A]CACACGCTCCTCTAGGCCCTTCAGCGGCAGCAGCGCCTCCAGCACCTGTGGGGTCGGGCT-3'
Protein context (NP_004095.4, residues 2388-2408): LPLKGLEERV[Ala2398Ser]AAVDLIIKSH